The following is an entry in ClinVar:

ClinVar aggregate classification (germline): Uncertain significance. Review status: criteria provided, multiple submitters, no conflicts (2 of 4 stars). 2 submissions from 2 submitters: Uncertain significance (2). Last evaluated 2025-10-03.

Conditions:
Candidiasis, familial, 9 (CANDF9). Identifiers: Orphanet 1334, MedGen C4225324, MONDO:0014642, OMIM 616445.

Allele frequency attached by ClinVar (database versions not stated): TOPMed 0.00010.

Submissions (2):

Labcorp Genetics (formerly Invitae), Labcorp
Classification: Uncertain significance for Candidiasis, familial, 9. Last evaluated: 2025-10-03. Review status: criteria provided, single submitter. Criteria: Invitae Variant Classification Sherloc (09022015). Collection method: clinical testing. Allele origin: germline.
Comment: This sequence change replaces valine, which is neutral and non-polar, with leucine, which is neutral and non-polar, at codon 163 of the IL17RC protein (p.Val163Leu). This variant is present in population databases (rs143412184, gnomAD 0.01%). This variant has not been reported in the literature in individuals affected with IL17RC-related conditions. ClinVar contains an entry for this variant (Variation ID: 565492). An algorithm developed to predict the effect of missense changes on protein structure and function (PolyPhen-2) suggests that this variant is likely to be tolerated. In summary, the available evidence is currently insufficient to determine the role of this variant in disease. Therefore, it has been classified as a Variant of Uncertain Significance.

Ambry Genetics
Classification: Uncertain significance. Last evaluated: 2022-12-16. Review status: criteria provided, single submitter. Criteria: Ambry Variant Classification Scheme 2023. Collection method: clinical testing. Allele origin: germline.

NM_153460.4(IL17RC):c.274G>T (p.Val92Leu)

Gene: IL17RC (interleukin 17 receptor C; plus strand). Cytogenetic location: 3p25.3.
Variant type: single nucleotide variant.
Coding change: c.274G>T on transcript NM_153460.4 (MANE Select); coding-DNA position 274, G replaced by T.
Protein change: p.Val92Leu; replaces valine 92 with leucine.
Molecular consequence: missense variant. On other transcripts: non-coding transcript variant (1).
Genome position (GRCh38, 1-based): chr3:9,918,069, G>T. VCF-style: chr3-9918069-G-T. GRCh37 (hg19) VCF-style: chr3-9959753-G-T.
Other names: c.274G>T, p.Val92Leu (NM_001203263.2, NM_001203264.2, NM_001203265.2 and 4 more transcripts); c.487G>T, p.Val163Leu (NM_153461.4); short protein forms V163L, V92L.
Identifiers: ClinVar variation 565492 (VCV000565492.6), dbSNP rs143412184, ClinGen allele CA2246783.